The following is an entry in ClinVar:

NM_001131016.2(CIZ1):c.2624A>G (p.Lys875Arg)

Gene: CIZ1 (CDKN1A interacting zinc finger protein 1; minus strand). Cytogenetic location: 9q34.11.
Variant type: single nucleotide variant.
Coding change: c.2624A>G on transcript NM_001131016.2 (MANE Select); coding-DNA position 2624, A replaced by G.
Protein change: p.Lys875Arg; replaces lysine 875 with arginine.
Molecular consequence: missense variant.
Genome position (GRCh38, 1-based): chr9:128,166,270, T>C on the plus strand (A>G on the coding strand, the complement: CIZ1 is on the minus strand). VCF-style: chr9-128166270-T-C. GRCh37 (hg19) VCF-style: chr9-130928549-T-C.
Other names: c.2456A>G, p.Lys819Arg (NM_001131015.2); c.2441A>G, p.Lys814Arg (NM_001131017.2); c.2384A>G, p.Lys795Arg (NM_001131018.2); c.2792A>G, p.Lys931Arg (NM_001257975.2); c.2321A>G, p.Lys774Arg (NM_001257976.2); c.2624A>G, p.Lys875Arg (NM_012127.3); short protein forms K819R, K774R, K931R, K814R, K795R, K875R.
Identifiers: ClinVar variation 4774175 (VCV004774175.1).

ClinVar aggregate classification (germline): Uncertain significance (1 of 4 stars; one submission).

Conditions:
Dystonic disorder. Also called: Dystonia. Identifiers: MedGen C0013421, MONDO:0003441, HP:0001332.

Submission:

Labcorp Genetics (formerly Invitae), Labcorp
Classification: Uncertain significance for Dystonic disorder. Last evaluated: 2026-01-07. Review status: criteria provided, single submitter. Criteria: Invitae Variant Classification Sherloc (09022015). Collection method: clinical testing. Allele origin: germline.
Comment: This sequence change replaces lysine, which is basic and polar, with arginine, which is basic and polar, at codon 875 of the CIZ1 protein (p.Lys875Arg). This variant is not present in population databases (gnomAD no frequency). This variant has not been reported in the literature in individuals affected with CIZ1-related conditions. An algorithm developed to predict the effect of missense changes on protein structure and function (PolyPhen-2) suggests that this variant is likely to be disruptive. In summary, the available evidence is currently insufficient to determine the role of this variant in disease. Therefore, it has been classified as a Variant of Uncertain Significance.